The following is an entry in ClinVar:

ClinVar aggregate classification (germline): Uncertain significance (1 of 4 stars; one submission).

Conditions:
Hereditary cancer-predisposing syndrome. Also called: Tumor predisposition; Neoplastic Syndromes, Hereditary; Hereditary Cancer Syndrome; Hereditary neoplastic syndrome. Identifiers: Orphanet 140162, MedGen C0027672, MeSH D009386, MONDO:0015356.

gnomAD v4.1: 1 of 1,611,408 alleles (0.000062%); highest among the groups gnomAD compares: Non-Finnish European, 0.000085%; no homozygotes.

Submission:

Ambry Genetics
Classification: Uncertain significance for Hereditary cancer-predisposing syndrome. Last evaluated: 2024-07-24. Review status: criteria provided, single submitter. Criteria: Ambry Variant Classification Scheme 2023. Collection method: clinical testing. Allele origin: germline.
Comment: The p.P1092T variant (also known as c.3274C>A), located in coding exon 20 of the DICER1 gene, results from a C to A substitution at nucleotide position 3274. The proline at codon 1092 is replaced by threonine, an amino acid with highly similar properties. This amino acid position is conserved. In addition, this alteration is predicted to be deleterious by in silico analysis. Based on the available evidence, the clinical significance of this variant remains unclear.

NM_177438.3(DICER1):c.3274C>A (p.Pro1092Thr)

Gene: DICER1 (dicer 1, ribonuclease III; minus strand). Cytogenetic location: 14q32.13.
Variant type: single nucleotide variant.
Coding change: c.3274C>A on transcript NM_177438.3 (MANE Select); coding-DNA position 3274, C replaced by A.
Protein change: p.Pro1092Thr; replaces proline 1092 with threonine.
Molecular consequence: missense variant. On other transcripts: non-coding transcript variant (4).
Genome position (GRCh38, 1-based): chr14:95,104,122, G>T on the plus strand (C>A on the coding strand, the complement: DICER1 is on the minus strand). VCF-style: chr14-95104122-G-T. GRCh37 (hg19) VCF-style: chr14-95570459-G-T.
Other names: c.3274C>A, p.Pro1092Thr (NM_001195573.1, NM_001271282.3, NM_001291628.2 and 12 more transcripts); c.2992C>A, p.Pro998Thr (NM_001395686.1); c.2869C>A, p.Pro957Thr (NM_001395687.1, NM_001395688.1, NM_001395689.1 and 2 more transcripts); c.2707C>A, p.Pro903Thr (NM_001395691.1); c.1591C>A, p.Pro531Thr (NM_001395697.1); short protein forms P531T, P903T, P957T, P1092T, P998T.
Identifiers: ClinVar variation 3501862 (VCV003501862.1).
Genomic context (GRCh38, chr14:95,104,122, plus strand): 5'-TAGAAATTGAGATGAAAGATTTGCTGTCAATAGATTTTTTCCACCCGAAGTCTAAGTTAG[G>T]GTATCTGCAAAGACATTTTTATAACTTTACATCAGATTCTTCAAAACAGCTAGGCTGAGA-3'
Protein context (NP_803187.1, residues 1082-1102): VRSLPADFRY[Pro1092Thr]NLDFGWKKSI